The following is an entry in ClinVar:

NM_000891.3(KCNJ2):c.220A>G (p.Thr74Ala)

Gene: KCNJ2 (potassium inwardly rectifying channel subfamily J member 2; plus strand). Cytogenetic location: 17q24.3.
Variant type: single nucleotide variant.
Coding change: c.220A>G on transcript NM_000891.3 (MANE Select); coding-DNA position 220, A replaced by G.
Protein change: p.Thr74Ala; replaces threonine 74 with alanine.
Molecular consequence: missense variant.
Genome position (GRCh38, 1-based): chr17:70,175,259, A>G. VCF-style: chr17-70175259-A-G. GRCh37 (hg19) VCF-style: chr17-68171400-A-G.
Other names: c.220A>G (LRG_328t1); short protein forms T74A.
Identifiers: ClinVar variation 67563 (VCV000067563.1), dbSNP rs199473652, ClinGen allele CA329645.
Genomic context (GRCh38, chr17:70,175,259, plus strand): 5'-TGTAATGTTCAGTTCATCAATGTGGGTGAGAAGGGGCAACGGTACCTCGCAGACATCTTC[A>G]CCACGTGTGTGGACATTCGCTGGCGGTGGATGCTGGTTATCTTCTGCCTGGCTTTCGTCC-3'
Protein context (NP_000882.1, residues 64-84): KGQRYLADIF[Thr74Ala]TCVDIRWRWM

ClinVar aggregate classification (germline): not provided (0 of 4 stars; one submission).

Conditions:
Familial long QT syndrome (RWS). Also called: Congenital long QT syndrome; Romano-Ward syndrome; VENTRICULAR FIBRILLATION WITH PROLONGED QT INTERVAL. Identifiers: Orphanet 768, MedGen C1141890, MONDO:0019171.

Allele frequency attached by ClinVar (database versions not stated): gnomAD exomes below 0.00001.
gnomAD v4.1: 1 of 1,614,188 alleles (0.000062%); highest among the groups gnomAD compares: Non-Finnish European, 0.000085%; no homozygotes.

Submission:

Cardiovascular Biomedical Research Unit, Royal Brompton & Harefield NHS Foundation Trust
No classification provided. Condition: Familial long QT syndrome. Review status: no classification provided. Collection method: literature only. Allele origin: germline.
Comment: This variant has been reported in the following publications (PMID:15911703;PMID:16541386;PMID:18690034).

Literature cited by the submitters: PubMed 15911703; PubMed 16541386; PubMed 18690034; PubMed 22581653.